The following is an entry in ClinVar:

ClinVar aggregate classification (germline): Benign. Review status: criteria provided, multiple submitters, no conflicts (2 of 4 stars). 3 submissions from 3 submitters: Benign (3). Last evaluated 2024-07-15.

Allele frequency attached by ClinVar (database versions not stated): TOPMed 0.71536; gnomAD exomes 0.71691; gnomAD 0.72428 and 0.72495; 1000 Genomes Project 30x 0.72829; 1000 Genomes Project 0.73283.
gnomAD v4.1: 1,135,668 of 1,582,932 alleles (72%); highest among the groups gnomAD compares: East Asian, 82%; 408,245 homozygotes.

Submissions (3):

Unidad de Genómica Garrahan, Hospital de Pediatría Garrahan
Classification: Benign. Last evaluated: 2024-07-15. Review status: criteria provided, single submitter. Criteria: ACMG Guidelines, 2015. Collection method: clinical testing. Allele origin: germline. Affected: no. Observed: 83 variant alleles.
Comment: This variant is classified as Benign based on local population frequency. This variant was detected in 89% of patients studied in a panel designed for Epileptic and Developmental Encephalopathy and Progressive Myoclonus Epilepsy. Number of patients: 83. Only high quality variants are reported.

GeneDx
Classification: Benign. Last evaluated: 2021-05-14. Review status: criteria provided, single submitter. Criteria: GeneDx Variant Classification Process June 2021. Collection method: clinical testing. Allele origin: germline. Affected: yes.

Breakthrough Genomics
Classification: Benign. Review status: criteria provided, single submitter. Criteria: ACMG Guidelines, 2015. Collection method: not provided. Allele origin: germline. Inheritance: Autosomal dominant inheritance. Affected: yes.

NM_006922.4(SCN3A):c.1173+69G>A

Gene: SCN3A (sodium voltage-gated channel alpha subunit 3; minus strand). Cytogenetic location: 2q24.3.
Variant type: single nucleotide variant.
Coding change: c.1173+69G>A on transcript NM_006922.4 (MANE Select); 69 bases into the intron after coding-DNA position 1173, G replaced by A.
Molecular consequence: intron variant.
Genome position (GRCh38, 1-based): chr2:165,155,693, C>T on the plus strand (G>A on the coding strand, the complement: SCN3A is on the minus strand). VCF-style: chr2-165155693-C-T. GRCh37 (hg19) VCF-style: chr2-166012203-C-T.
Other names: c.1173+69G>A (NM_001081676.2, NM_001081677.2).
Identifiers: ClinVar variation 1291213 (VCV001291213.5), dbSNP rs3731760, ClinGen allele CA11131013.
Genomic context (GRCh38, chr2:165,155,693, plus strand): 5'-AAGTGATCCATCCGCCTCTGCCTCCCAAAGTGCTAGGGTTACAGGCATGAGCCACCACAC[C>T]CAGCCTATGCTTTTCATTTCATACATGTCTATAAAAATAAATGTTATGCATGCTCATTTG-3'